The following is an entry in ClinVar:

ClinVar aggregate classification (germline): Uncertain significance (1 of 4 stars; one submission).

Allele frequency attached by ClinVar (database versions not stated): gnomAD exomes below 0.00001; ExAC 0.00001; gnomAD 0.00001.
gnomAD v4.1: 8 of 1,607,712 alleles (0.0005%); highest among the groups gnomAD compares: South Asian, 0.0011%; no homozygotes.

Submission:

Labcorp Genetics (formerly Invitae), Labcorp
Classification: Uncertain significance. Last evaluated: 2022-10-17. Review status: criteria provided, single submitter. Criteria: Invitae Variant Classification Sherloc (09022015). Collection method: clinical testing. Allele origin: germline.
Comment: This sequence change replaces histidine, which is basic and polar, with glutamine, which is neutral and polar, at codon 491 of the CARMIL2 protein (p.His491Gln). This variant is present in population databases (rs759932806, gnomAD 0.002%). This variant has not been reported in the literature in individuals affected with CARMIL2-related conditions. ClinVar contains an entry for this variant (Variation ID: 1434254). Advanced modeling of protein sequence and biophysical properties (such as structural, functional, and spatial information, amino acid conservation, physicochemical variation, residue mobility, and thermodynamic stability) performed at Invitae indicates that this missense variant is not expected to disrupt CARMIL2 protein function. In summary, the available evidence is currently insufficient to determine the role of this variant in disease. Therefore, it has been classified as a Variant of Uncertain Significance.

NM_001013838.3(CARMIL2):c.1473C>G (p.His491Gln)

Gene: CARMIL2 (capping protein regulator and myosin 1 linker 2; plus strand). Cytogenetic location: 16q22.1.
Variant type: single nucleotide variant.
Coding change: c.1473C>G on transcript NM_001013838.3 (MANE Select); coding-DNA position 1473, C replaced by G.
Protein change: p.His491Gln; replaces histidine 491 with glutamine.
Molecular consequence: missense variant.
Genome position (GRCh38, 1-based): chr16:67,648,718, C>G. VCF-style: chr16-67648718-C-G. GRCh37 (hg19) VCF-style: chr16-67682621-C-G.
Other names: c.1365C>G, p.His455Gln (NM_001317026.3); short protein forms H455Q, H491Q.
Identifiers: ClinVar variation 1434254 (VCV001434254.5), dbSNP rs759932806, ClinGen allele CA8113439.